The following is an entry in ClinVar:

NM_001999.4(FBN2):c.6057G>A (p.Glu2019=)

Gene: FBN2 (fibrillin 2; minus strand). Cytogenetic location: 5q23.3.
Variant type: single nucleotide variant.
Coding change: c.6057G>A on transcript NM_001999.4 (MANE Select); coding-DNA position 6057, G replaced by A.
Protein change: p.Glu2019=; no amino-acid change (glutamic acid 2019 retained).
Molecular consequence: synonymous variant.
Genome position (GRCh38, 1-based): chr5:128,300,926, C>T on the plus strand (G>A on the coding strand, the complement: FBN2 is on the minus strand). VCF-style: chr5-128300926-C-T. GRCh37 (hg19) VCF-style: chr5-127636618-C-T.
Other names: p.Glu2019=.
Identifiers: ClinVar variation 528445 (VCV000528445.19), dbSNP rs752114619, ClinGen allele CA3394508.

ClinVar aggregate classification (germline): Likely benign. Review status: criteria provided, multiple submitters, no conflicts (2 of 4 stars). 6 submissions from 6 submitters: Likely benign (3). 3 of the submissions do not count toward it. Last evaluated 2025-09-11.

Conditions:
FBN2-related disorder. Also called: FBN2-related condition.
Familial thoracic aortic aneurysm and aortic dissection (TAAD). Also called: Thoracic aortic aneurysms and dissections. Identifiers: Orphanet 91387, MedGen C4707243, MONDO:0019625.
Congenital contractural arachnodactyly (CCA). Also called: Beals-Hecht syndrome; BEALS SYNDROME; Arthrogryposis, distal, type 9. Identifiers: Orphanet 115, MedGen C0220668, MONDO:0007363, OMIM 121050.

Allele frequency attached by ClinVar (database versions not stated): ExAC 0.00001; gnomAD 0.00003; gnomAD exomes 0.00004 and 0.00005; TOPMed 0.00004.
gnomAD v4.1: 75 of 1,613,454 alleles (0.0046%); highest among the groups gnomAD compares: Non-Finnish European, 0.0062%; no homozygotes.

Submissions (6):

Mayo Clinic Laboratories, Mayo Clinic
Classification: Likely benign. Last evaluated: 2025-09-11. Review status: criteria provided, single submitter. Criteria: ACMG Guidelines, 2015. Collection method: clinical testing. Allele origin: germline. Observed: 1 variant allele.
Comment: BS1, BP4, BP7

Labcorp Genetics (formerly Invitae), Labcorp
Classification: Likely benign for Congenital contractural arachnodactyly. Last evaluated: 2025-07-27. Review status: criteria provided, single submitter. Criteria: Invitae Variant Classification Sherloc (09022015). Collection method: clinical testing. Allele origin: germline.

Ambry Genetics
Classification: Likely benign for Familial thoracic aortic aneurysm and aortic dissection. Last evaluated: 2022-02-14. Review status: criteria provided, single submitter. Criteria: Ambry Variant Classification Scheme 2023. Collection method: clinical testing. Allele origin: germline.

PreventionGenetics, part of Exact Sciences
Classification: Likely benign for FBN2-related condition. Last evaluated: 2019-07-25. Review status: no assertion criteria provided. Collection method: clinical testing. Allele origin: germline. Not counted in ClinVar's aggregate classification.
Comment: This variant is classified as likely benign based on ACMG/AMP sequence variant interpretation guidelines (Richards et al. 2015 PMID: 25741868, with internal and published modifications).

Clinical Genetics DNA and cytogenetics Diagnostics Lab, Erasmus MC, Erasmus Medical Center
Classification: Likely benign. Review status: no assertion criteria provided. Collection method: clinical testing. Allele origin: germline. Affected: yes. Study: VKGL Data-share Consensus. Not counted in ClinVar's aggregate classification.

Genome Diagnostics Laboratory, Amsterdam University Medical Center
Classification: Likely benign. Review status: no assertion criteria provided. Collection method: clinical testing. Allele origin: germline. Affected: yes. Study: VKGL Data-share Consensus. Not counted in ClinVar's aggregate classification.